The following is an entry in ClinVar:

NM_001918.5(DBT):c.1018-840T>C

Gene: DBT (dihydrolipoamide branched chain transacylase E2; minus strand). Cytogenetic location: 1p21.2.
Variant type: single nucleotide variant.
Coding change: c.1018-840T>C on transcript NM_001918.5 (MANE Select); 840 bases into the intron before coding-DNA position 1018, T replaced by C.
Molecular consequence: intron variant.
Genome position (GRCh38, 1-based): chr1:100,207,476, A>G on the plus strand (T>C on the coding strand, the complement: DBT is on the minus strand). VCF-style: chr1-100207476-A-G. GRCh37 (hg19) VCF-style: chr1-100673032-A-G.
Identifiers: ClinVar variation 681221 (VCV000681221.1), dbSNP rs7541105, ClinGen allele CA15078516.

ClinVar aggregate classification (germline): Benign (1 of 4 stars; one submission).

Allele frequency attached by ClinVar (database versions not stated): TOPMed 0.76406; gnomAD 0.76794 and 0.77703; 1000 Genomes Project 30x 0.77733; 1000 Genomes Project 0.78534.
gnomAD v4.1: 118,207 of 152,010 alleles (78%); highest among the groups gnomAD compares: East Asian, 95%; 47,970 homozygotes.

Submission:

GeneDx
Classification: Benign. Last evaluated: 2018-06-14. Review status: criteria provided, single submitter. Criteria: GeneDx Variant Classification (06012015). Collection method: clinical testing. Allele origin: germline. Affected: yes.
Comment: This variant is considered likely benign or benign based on one or more of the following criteria: it is a conservative change, it occurs at a poorly conserved position in the protein, it is predicted to be benign by multiple in silico algorithms, and/or has population frequency not consistent with disease.